The following is an entry in ClinVar:

ClinVar aggregate classification (germline): Pathogenic (1 of 4 stars; one submission).

Conditions:
Granulomatous disease, chronic, X-linked. Also called: GRANULOMATOUS DISEASE, CHRONIC, X-LINKED, SOMATIC MOSAIC; CYTOCHROME b-NEGATIVE GRANULOMATOUS DISEASE, CHRONIC, X-LINKED. Identifiers: Orphanet 379, MedGen C1844376, MONDO:0010600, OMIM 306400.

Submission:

Victorian Clinical Genetics Services, Murdoch Childrens Research Institute
Classification: Pathogenic for Granulomatous disease, chronic, X-linked. Last evaluated: 2024-10-09. Review status: criteria provided, single submitter. Criteria: ACMG Guidelines, 2015. Collection method: clinical testing. Allele origin: germline. Inheritance: X-linked recessive inheritance. Affected: no.
Comment: Based on the classification scheme VCGS_Germline_v1.3.4, this variant is classified as Pathogenic. Following criteria are met: 0102 - Loss of function is a known mechanism of disease in this gene and is associated with chronic granulomatous disease (MIM#306400) and mycobacteriosis immunodeficiency 34 (MIM#300645) . (I) 0109 - This gene is associated with X-linked recessive disease. Hemizygous males and homozygous females are commonly affected; however, some heterozygous female carriers can also be affected depending on X-inactivation (PMID: 22876374). (I) 0201 - Variant is predicted to cause nonsense-mediated decay (NMD) and loss of protein (premature termination codon is located at least 54 nucleotides upstream of the final exon-exon junction). (SP) 0251 - This variant is heterozygous. (I) 0301 - Variant is absent from gnomAD (both v2 and v3). (SP) 0701 - Many other NMD-predicted variants comparable to the one identified in this case have very strong previous evidence for pathogenicity (DECIPHER). (SP) 0803 - This variant has limited previous evidence of pathogenicity in an unrelated individual. This variant has been observed in two unrelated hemizygous males with chronic granulomatous disease (PMID: 18546332, 11162142). (SP) 0905 - No published segregation evidence has been identified for this variant. (I) 1007 - No published functional evidence has been identified for this variant. (I) 1208 - Inheritance information for this variant is not currently available in this individual. (I) Legend: (SP) - Supporting pathogenic, (I) - Information, (SB) - Supporting benign

Literature cited by the submitters: PubMed 11162142; PubMed 18546332; PubMed 22876374.

NM_000397.4(CYBB):c.797del (p.Pro266fs)

Gene: CYBB (cytochrome b-245 beta chain; plus strand). Cytogenetic location: Xp21.1.
Variant type: Deletion.
Coding change: c.797del on transcript NM_000397.4 (MANE Select); coding-DNA position 797, one base deleted (C; older notation c.797delC).
Protein change: p.Pro266fs; shifts the reading frame from proline 266.
Molecular consequence: frameshift variant.
Genome position (GRCh38, 1-based): chrX:37,799,077, C deleted; the last of 3 consecutive C bases (chrX:37,799,075-37,799,077); deleting any one gives the same sequence. VCF-style (leftmost placement, unchanged base first): chrX-37799074-AC-A. GRCh37 (hg19) VCF-style: chrX-37658327-AC-A.
Other names: short protein forms P266fs.
Identifiers: ClinVar variation 3377316 (VCV003377316.1).